The following is an entry in ClinVar:

NM_002838.5(PTPRC):c.1659+6A>C

Gene: PTPRC (protein tyrosine phosphatase receptor type C; plus strand). Cytogenetic location: 1q32.1.
Variant type: single nucleotide variant.
Coding change: c.1659+6A>C on transcript NM_002838.5 (MANE Select); 6 bases into the intron after coding-DNA position 1659, A replaced by C.
Molecular consequence: intron variant.
Genome position (GRCh38, 1-based): chr1:198,718,308, A>C. VCF-style: chr1-198718308-A-C. GRCh37 (hg19) VCF-style: chr1-198687437-A-C.
Other names: c.1176+6A>C (NM_080921.4).
Identifiers: ClinVar variation 639853 (VCV000639853.9), dbSNP rs1571866580, ClinGen allele CA915941983.

ClinVar aggregate classification (germline): Uncertain significance (1 of 4 stars; one submission).

Conditions:
Immunodeficiency 104. Also called: Severe combined immunodeficiency, autosomal recessive, T cell-negative, B cell-positive, NK cell-positive; SCID, AUTOSOMAL RECESSIVE, T CELL-NEGATIVE, B CELL-POSITIVE, NK CELL-POSITIVE; IMMUNODEFICIENCY 104, SEVERE COMBINED; Severe Combined Immune Deficiency, Autosomal Recessive, TCell -Negative, B Cell-Positive, NK Cell-Positive, IL7R-Related. Identifiers: MedGen C5676890, MONDO:0012163, OMIM 608971.

Submission:

Labcorp Genetics (formerly Invitae), Labcorp
Classification: Uncertain significance for Immunodeficiency 104. Last evaluated: 2018-12-25. Review status: criteria provided, single submitter. Criteria: Invitae Variant Classification Sherloc (09022015). Collection method: clinical testing. Allele origin: germline.
Comment: In summary, the available evidence is currently insufficient to determine the role of this variant in disease. Therefore, it has been classified as a Variant of Uncertain Significance. Nucleotide substitutions within the consensus splice site are a relatively common cause of aberrant splicing (PMID: 17576681, 9536098). Algorithms developed to predict the effect of sequence changes on RNA splicing suggest that this variant is not likely to affect RNA splicing, but this prediction has not been confirmed by published transcriptional studies. This variant has not been reported in the literature in individuals with PTPRC-related conditions. This variant is not present in population databases (ExAC no frequency). This sequence change falls in intron 14 of the PTPRC gene. It does not directly change the encoded amino acid sequence of the PTPRC protein, but it affects a nucleotide within the consensus splice site of the intron.

Literature cited by the submitters: PubMed 17576681; PubMed 9536098.